The following is an entry in ClinVar:

NM_000494.4(COL17A1):c.1717G>T (p.Gly573Cys)

Gene: COL17A1 (collagen type XVII alpha 1 chain; minus strand). Cytogenetic location: 10q25.1.
Variant type: single nucleotide variant.
Coding change: c.1717G>T on transcript NM_000494.4 (MANE Select); coding-DNA position 1717, G replaced by T.
Protein change: p.Gly573Cys; replaces glycine 573 with cysteine.
Molecular consequence: missense variant.
Genome position (GRCh38, 1-based): chr10:104,055,372, C>A on the plus strand (G>T on the coding strand, the complement: COL17A1 is on the minus strand). VCF-style: chr10-104055372-C-A. GRCh37 (hg19) VCF-style: chr10-105815130-C-A.
Other names: short protein forms G573C.
Identifiers: ClinVar variation 4993837 (VCV004993837.1).

ClinVar aggregate classification (germline): Likely pathogenic (1 of 4 stars; one submission).

Conditions:
COL17A1-related disorder. Also called: COL17A1-related condition.

gnomAD v4.1: 1 of 1,612,808 alleles (0.000062%); no homozygotes.

Submission:

PreventionGenetics, part of Exact Sciences
Classification: Likely pathogenic for COL17A1-related condition. Last evaluated: 2025-09-16. Review status: criteria provided, single submitter. Criteria: ACMG Guidelines, 2015. Collection method: clinical testing. Allele origin: germline.
Comment: The COL17A1 c.1717G>T variant is predicted to result in the amino acid substitution p.Gly573Cys. To our knowledge, this variant has not been reported in the literature. This variant is reported in 0.00088% of alleles in individuals of European (Non-Finnish) descent in gnomAD. This variant is located in the last nucleotide of exon 19 and based on available splicing prediction programs (Alamut Visual v1.6.1; SpliceAI, Jaganathan et al. 2019. PubMed ID: 30661751), it is predicted to abolish the canonical splice donor site. In addition, this variant is located in the conserved Gly-Xaa-Yaa triple helical domain where substitutions of glycine residues have been documented to be pathogenic (Väisänen et al. 2005. PubMed ID: 16354180). In summary, this variant is interpreted as likely pathogenic.